The following is an entry in ClinVar:

NC_000014.8:g.(?_65270305)_(65271828_?)del

Gene: SPTB (spectrin beta, erythrocytic; minus strand). Cytogenetic location: 14q23.3.
Variant type: Deletion.
Identifiers: ClinVar variation 1456574 (VCV001456574.5).

ClinVar aggregate classification (germline): Pathogenic (1 of 4 stars; one submission).

Submission:

Labcorp Genetics (formerly Invitae), Labcorp
Classification: Pathogenic. Last evaluated: 2023-10-13. Review status: criteria provided, single submitter. Criteria: Invitae Variant Classification Sherloc (09022015). Collection method: clinical testing. Allele origin: germline.
Comment: This variant is a gross deletion of the genomic region encompassing exon(s) 2-3 of the SPTB gene. This deletion is out-of-frame, and is expected to create a premature termination codon and result in an absent or disrupted protein product. Loss-of-function variants in SPTB are known to be pathogenic (PMID: 1391962, 1498324, 8844207, 26830532, 27292444). This variant has not been reported in the literature in individuals affected with SPTB-related conditions. For these reasons, this variant has been classified as Pathogenic.

Literature cited by the submitters: PubMed 1391962; PubMed 1498324; PubMed 8844207; PubMed 26830532; PubMed 27292444.